The following is an entry in ClinVar:

NM_000169.3(GLA):c.144G>T (p.Glu48Asp)

Genes: GLA (galactosidase alpha; minus strand), RPL36A-HNRNPH2 (RPL36A-HNRNPH2 readthrough; plus strand). Cytogenetic location: Xq22.1.
Variant type: single nucleotide variant.
Coding change: c.144G>T on transcript NM_000169.3 (MANE Select); coding-DNA position 144, G replaced by T.
Protein change: p.Glu48Asp; replaces glutamic acid 48 with aspartic acid.
Molecular consequence: missense variant. On other transcripts: non-coding transcript variant (3), intron variant (2).
Genome position (GRCh38, 1-based): chrX:101,407,760, C>A on the plus strand (G>T on the coding strand, the complement: GLA is on the minus strand). VCF-style: chrX-101407760-C-A. GRCh37 (hg19) VCF-style: chrX-100662748-C-A.
Other names: c.144G>T, p.Glu48Asp (NM_001406747.1, NM_001406748.1, NM_001406749.1); c.301-4176C>A (NM_001199973.2); c.178-4176C>A (NM_001199974.2); short protein forms E48D.
Identifiers: ClinVar variation 4087680 (VCV004087680.2).

ClinVar aggregate classification (germline): Pathogenic (1 of 4 stars; one submission).

Conditions:
Fabry disease. Also called: ALPHA-GALACTOSIDASE A DEFICIENCY; ANDERSON-FABRY DISEASE; CERAMIDE TRIHEXOSIDASE DEFICIENCY; GLA DEFICIENCY; HEREDITARY DYSTOPIC LIPIDOSIS; Angiokeratoma corporis diffusum. Identifiers: Orphanet 324, MedGen C0002986, MONDO:0010526, OMIM 301500, HP:0001071. Disease mechanism: Fabry disease is due to inactivating mutations in the X-linked GLA gene resulting in deficiency of the enzyme Alpha Galactosidase-A., loss of function.

Submission:

Genomenon, Inc
Classification: Pathogenic for Fabry disease. Last evaluated: 2026-09-08. Review status: criteria provided, single submitter. Criteria: Genomenon Sequence Variant Interpretation Standards - Updated. Collection method: curation. Allele origin: germline. Affected: no.
Comment: GLA p.Glu48Asp (c.144G>T) is a missense variant that changes the amino acid at codon 48 from Glutamic acid to Aspartic acid. To our knowledge, this variant has not been reported in patients affected with Fabry disease in the published literature. At least one functional study has demonstrated a substantial alteration in protein function relative to the wild-type (PMID:27657681). This variant is located in a mutational hotspot and/or important functional domain. It is absent or not present at a significant frequency in gnomAD. In silico models predict that this variant is possibly or probably damaging. Another cDNA change that causes the same protein consequence has been determined to be pathogenic or likely pathogenic. In conclusion, we classify GLA p.Glu48Asp (c.144G>T) as a pathogenic variant.

Literature cited by the submitters: PubMed 27657681.